The following is an entry in ClinVar:

NM_001039591.3(USP9X):c.4514T>C (p.Leu1505Pro)

Gene: USP9X (ubiquitin specific peptidase 9 X-linked; plus strand). Cytogenetic location: Xp11.4.
Variant type: single nucleotide variant.
Coding change: c.4514T>C on transcript NM_001039591.3 (MANE Select); coding-DNA position 4514, T replaced by C.
Protein change: p.Leu1505Pro; replaces leucine 1505 with proline.
Molecular consequence: missense variant.
Genome position (GRCh38, 1-based): chrX:41,198,661, T>C. VCF-style: chrX-41198661-T-C. GRCh37 (hg19) VCF-style: chrX-41057914-T-C.
Other names: c.4514T>C, p.Leu1505Pro (NM_001039590.3); c.4529T>C, p.Leu1510Pro (NM_001410748.1, NM_001410749.1); short protein forms L1505P, L1510P.
Identifiers: ClinVar variation 3368806 (VCV003368806.1).

ClinVar aggregate classification (germline): Uncertain significance (1 of 4 stars; one submission).

Submission:

GeneDx
Classification: Uncertain significance. Last evaluated: 2024-02-07. Review status: criteria provided, single submitter. Criteria: GeneDx Variant Classification Process June 2021. Collection method: clinical testing. Allele origin: germline. Affected: yes.
Comment: Not observed at significant frequency in large population cohorts (gnomAD); In silico analysis supports that this missense variant has a deleterious effect on protein structure/function; Has not been previously published as pathogenic or benign to our knowledge